The following is an entry in ClinVar:

ClinVar aggregate classification (germline): Likely pathogenic (1 of 4 stars; one submission).

Conditions:
Holocarboxylase synthetase deficiency. Also called: MULTIPLE CARBOXYLASE DEFICIENCY, EARLY ONSET. Identifiers: Orphanet 79242, MedGen C0268581, MONDO:0009666, OMIM 253270.

Submission:

Labcorp Genetics (formerly Invitae), Labcorp
Classification: Likely pathogenic for Holocarboxylase synthetase deficiency. Last evaluated: 2022-04-13. Review status: criteria provided, single submitter. Criteria: Invitae Variant Classification Sherloc (09022015). Collection method: clinical testing. Allele origin: germline.
Comment: This variant has not been reported in the literature in individuals affected with HLCS-related conditions. Algorithms developed to predict the effect of sequence changes on RNA splicing suggest that this variant may disrupt the consensus splice site. In summary, the currently available evidence indicates that the variant is pathogenic, but additional data are needed to prove that conclusively. Therefore, this variant has been classified as Likely Pathogenic. This variant is not present in population databases (gnomAD no frequency). This sequence change affects an acceptor splice site in intron 4 of the HLCS gene. It is expected to disrupt RNA splicing. Variants that disrupt the donor or acceptor splice site typically lead to a loss of protein function (PMID: 16199547), and loss-of-function variants in HLCS are known to be pathogenic (PMID: 16134170).

Literature cited by the submitters: PubMed 16199547; PubMed 16134170.

NM_001352514.2(HLCS):c.494-2A>T

Gene: HLCS (holocarboxylase synthetase; minus strand). Cytogenetic location: 21q22.13.
Variant type: single nucleotide variant.
Coding change: c.494-2A>T on transcript NM_001352514.2 (MANE Select); the canonical splice acceptor site of the intron before coding-DNA position 494, A replaced by T.
Molecular consequence: splice acceptor variant.
Genome position (GRCh38, 1-based): chr21:36,937,394, T>A on the plus strand (A>T on the coding strand, the complement: HLCS is on the minus strand). VCF-style: chr21-36937394-T-A. GRCh37 (hg19) VCF-style: chr21-38309694-T-A.
Other names: c.53-2A>T (NM_001352517.1, NM_001242785.2, NM_001352515.2 and 4 more transcripts).
Identifiers: ClinVar variation 2125850 (VCV002125850.4), dbSNP rs2517583664, ClinGen allele CA409914223.